The following is an entry in ClinVar:

ClinVar aggregate classification (germline): Uncertain significance (1 of 4 stars; one submission).

Conditions:
KCND2-related neurodevelopmental disorder.

Submission:

3billion
Classification: Uncertain significance for KCND2 related neurodevelopmental disorder. Last evaluated: 2024-11-21. Review status: criteria provided, single submitter. Criteria: ACMG Guidelines, 2015. Collection method: clinical testing. Allele origin: germline. Affected: yes.
Comment: The variant is not observed in the gnomAD v4.1.0 dataset. Predicted Consequence/Location: Missense variant. Missense changes are a common disease-causing mechanism. In silico tool predictions suggest damaging effect of the variant on gene or gene product [REVEL: 0.92 (>=0.6, sensitivity 0.68 and specificity 0.92); 3Cnet: 0.99 (>=0.6, sensitivity 0.72 and precision 0.9)]. The variant has been reported as of uncertain significance (PMID: 35982159. Therefore, this variant is classified as VUS according to the recommendation of ACMG/AMP guideline.

NM_012281.3(KCND2):c.1015G>A (p.Ala339Thr)

Gene: KCND2 (potassium voltage-gated channel subfamily D member 2; plus strand). Cytogenetic location: 7q31.31.
Variant type: single nucleotide variant.
Coding change: c.1015G>A on transcript NM_012281.3 (MANE Select); coding-DNA position 1015, G replaced by A.
Protein change: p.Ala339Thr; replaces alanine 339 with threonine.
Molecular consequence: missense variant.
Genome position (GRCh38, 1-based): chr7:120,275,647, G>A. VCF-style: chr7-120275647-G-A. GRCh37 (hg19) VCF-style: chr7-119915701-G-A.
Other names: short protein forms A339T.
Identifiers: ClinVar variation 4292994 (VCV004292994.1).